The following is an entry in ClinVar:

ClinVar aggregate classification (germline): Uncertain significance. Review status: criteria provided, multiple submitters, no conflicts (2 of 4 stars). 3 submissions from 3 submitters: Uncertain significance (3). Last evaluated 2026-05-27.

Conditions:
Inborn genetic diseases. Identifiers: MedGen C0950123, MeSH D030342.

Allele frequency attached by ClinVar (database versions not stated): ExAC 0.00001; gnomAD exomes 0.00002; TOPMed 0.00002.

Submissions (3):

Ambry Genetics
Classification: Uncertain significance for Inborn genetic diseases. Last evaluated: 2026-05-27. Review status: criteria provided, single submitter. Criteria: Ambry Variant Classification Scheme 2023. Collection method: clinical testing. Allele origin: germline.

Labcorp Genetics (formerly Invitae), Labcorp
Classification: Uncertain significance. Last evaluated: 2025-12-22. Review status: criteria provided, single submitter. Criteria: Invitae Variant Classification Sherloc (09022015). Collection method: clinical testing. Allele origin: germline.
Comment: This sequence change replaces arginine, which is basic and polar, with glutamine, which is neutral and polar, at codon 299 of the PROM1 protein (p.Arg299Gln). This variant is present in population databases (rs748149698, gnomAD 0.004%). This variant has not been reported in the literature in individuals affected with PROM1-related conditions. ClinVar contains an entry for this variant (Variation ID: 1433373). Invitae Evidence Modeling of protein sequence and biophysical properties (such as structural, functional, and spatial information, amino acid conservation, physicochemical variation, residue mobility, and thermodynamic stability) indicates that this missense variant is not expected to disrupt PROM1 protein function with a negative predictive value of 80%. In summary, the available evidence is currently insufficient to determine the role of this variant in disease. Therefore, it has been classified as a Variant of Uncertain Significance.

Revvity Omics, Revvity
Classification: Uncertain significance. Last evaluated: 2022-07-07. Review status: criteria provided, single submitter. Criteria: ACMG Guidelines, 2015. Collection method: clinical testing. Allele origin: germline.

NM_006017.3(PROM1):c.896G>A (p.Arg299Gln)

Gene: PROM1 (prominin 1; minus strand). Cytogenetic location: 4p15.32.
Variant type: single nucleotide variant.
Coding change: c.896G>A on transcript NM_006017.3 (MANE Select); coding-DNA position 896, G replaced by A.
Protein change: p.Arg299Gln; replaces arginine 299 with glutamine.
Molecular consequence: missense variant.
Genome position (GRCh38, 1-based): chr4:16,018,429, C>T on the plus strand (G>A on the coding strand, the complement: PROM1 is on the minus strand). VCF-style: chr4-16018429-C-T. GRCh37 (hg19) VCF-style: chr4-16020052-C-T.
Other names: c.869G>A, p.Arg290Gln (NM_001145847.2, NM_001145848.2, NM_001145851.2 and 4 more transcripts); c.896G>A, p.Arg299Gln (NM_001145849.2, NM_001145850.2); c.896G>A (NM_006017.2); short protein forms R290Q, R299Q.
Identifiers: ClinVar variation 1433373 (VCV001433373.13), dbSNP rs748149698, ClinGen allele CA2866923.